The following is an entry in ClinVar:

ClinVar aggregate classification (germline): Uncertain significance (0 of 4 stars; one submission).

Conditions:
PCNT-related disorder. Also called: PCNT-related condition.

Submission:

PreventionGenetics, part of Exact Sciences
Classification: Uncertain significance for PCNT-related condition. Last evaluated: 2024-01-09. Review status: no assertion criteria provided. Collection method: clinical testing. Allele origin: germline.
Comment: The PCNT c.444_445insGGTGACCACCCACCAGAACAGCATGGGATGTTCACAGTC variant is predicted to result in an in-frame amino acid insertion (p.Val148_Ser149insGlyAspHisProProGluGlnHisGlyMetPheThrVal). To our knowledge, this variant has not been reported in the literature or in a large population database, indicating this variant is rare. At this time, the clinical significance of this variant is uncertain due to the absence of conclusive functional and genetic evidence.

NM_006031.6(PCNT):c.444_445insGGTGACCACCCACCAGAACAGCATGGGATGTTCACAGTC (p.Val148_Ser149insGlyAspHisProProGluGlnHisGlyMetPheThrVal)

Gene: PCNT (pericentrin; plus strand). Cytogenetic location: 21q22.3.
Variant type: Insertion.
Coding change: c.444_445insGGTGACCACCCACCAGAACAGCATGGGATGTTCACAGTC on transcript NM_006031.6 (MANE Select); coding-DNA positions 444 to 445, GGTGACCACCCACCAGAACAGCATGGGATGTTCACAGTC inserted.
Protein change: p.Val148_Ser149insGlyAspHisProProGluGlnHisGlyMetPheThrVal.
Genome position: GRCh38: chr21:46,334,573-46,334,574. GRCh37 (hg19): chr21:47,754,487-47,754,488.
Other names: c.90_91insGGTGACCACCCACCAGAACAGCATGGGATGTTCACAGTC, p.Val30_Ser31insGlyAspHisProProGluGlnHisGlyMetPheThrVal (NM_001315529.2).
Identifiers: ClinVar variation 3046140 (VCV003046140.2), dbSNP rs2083669664, ClinGen allele CA1022902611.